The following is an entry in ClinVar:

NM_001080414.4(CCDC88C):c.4768+1G>A

Gene: CCDC88C (coiled-coil and HOOK domain protein 88C; minus strand). Cytogenetic location: 14q32.11.
Variant type: single nucleotide variant.
Coding change: c.4768+1G>A on transcript NM_001080414.4 (MANE Select); the canonical splice donor site of the intron after coding-DNA position 4768, G replaced by A.
Molecular consequence: splice donor variant.
Genome position (GRCh38, 1-based): chr14:91,279,237, C>T on the plus strand (G>A on the coding strand, the complement: CCDC88C is on the minus strand). VCF-style: chr14-91279237-C-T. GRCh37 (hg19) VCF-style: chr14-91745581-C-T.
Identifiers: ClinVar variation 2765531 (VCV002765531.3), dbSNP rs2544256678, ClinGen allele CA390612879.
Genomic context (GRCh38, chr14:91,279,237, plus strand): 5'-CATGAGCCACTGTGCCTGGCCCAAATCAATTTTTAAAAGTACACAGAAGCACAAGACTTA[C>T]CTTTTAGGTTAAGAGGTGAGCTGTTGCTGGATGTGTTTCTACTGCTCTCTAAGCTACTTG-3'

ClinVar aggregate classification (germline): Likely pathogenic (1 of 4 stars; one submission).

Submission:

Labcorp Genetics (formerly Invitae), Labcorp
Classification: Likely pathogenic. Last evaluated: 2023-06-04. Review status: criteria provided, single submitter. Criteria: Invitae Variant Classification Sherloc (09022015). Collection method: clinical testing. Allele origin: germline.
Comment: This sequence change affects a donor splice site in intron 28 of the CCDC88C gene. It is expected to disrupt RNA splicing. Variants that disrupt the donor or acceptor splice site typically lead to a loss of protein function (PMID: 16199547), and loss-of-function variants in CCDC88C are known to be pathogenic (PMID: 23042809, 29225145). This variant is not present in population databases (gnomAD no frequency). This variant has not been reported in the literature in individuals affected with CCDC88C-related conditions. Algorithms developed to predict the effect of sequence changes on RNA splicing suggest that this variant may disrupt the consensus splice site. In summary, the currently available evidence indicates that the variant is pathogenic, but additional data are needed to prove that conclusively. Therefore, this variant has been classified as Likely Pathogenic.

Literature cited by the submitters: PubMed 16199547; PubMed 23042809; PubMed 29225145.